The following is an entry in ClinVar:

ClinVar aggregate classification (germline): Uncertain significance (1 of 4 stars; one submission).

Submission:

GeneDx
Classification: Uncertain significance. Last evaluated: 2024-01-16. Review status: criteria provided, single submitter. Criteria: GeneDx Variant Classification Process June 2021. Collection method: clinical testing. Allele origin: germline. Affected: yes.
Comment: Not observed at significant frequency in large population cohorts (gnomAD); In silico analysis supports that this missense variant does not alter protein structure/function; Has not been previously published as pathogenic or benign to our knowledge

NM_020745.4(AARS2):c.1145C>T (p.Thr382Ile)

Gene: AARS2 (alanyl-tRNA synthetase 2, mitochondrial; minus strand). Cytogenetic location: 6p21.1.
Variant type: single nucleotide variant.
Coding change: c.1145C>T on transcript NM_020745.4 (MANE Select); coding-DNA position 1145, C replaced by T.
Protein change: p.Thr382Ile; replaces threonine 382 with isoleucine.
Molecular consequence: missense variant.
Genome position (GRCh38, 1-based): chr6:44,306,927, G>A on the plus strand (C>T on the coding strand, the complement: AARS2 is on the minus strand). VCF-style: chr6-44306927-G-A. GRCh37 (hg19) VCF-style: chr6-44274664-G-A.
Other names: short protein forms T382I.
Identifiers: ClinVar variation 3367928 (VCV003367928.1).